The following is an entry in ClinVar:

NM_002691.4(POLD1):c.2966del (p.Thr989fs)

Gene: POLD1 (DNA polymerase delta 1, catalytic subunit; plus strand). Cytogenetic location: 19q13.33.
Variant type: Deletion.
Coding change: c.2966del on transcript NM_002691.4 (MANE Select); coding-DNA position 2966, one base deleted (C; older notation c.2966delC).
Protein change: p.Thr989fs; shifts the reading frame from threonine 989.
Molecular consequence: frameshift variant. On other transcripts: non-coding transcript variant (1).
Genome position (GRCh38, 1-based): chr19:50,416,622, C deleted. VCF-style (leftmost placement, unchanged base first): chr19-50416621-AC-A. GRCh37 (hg19) VCF-style: chr19-50919878-AC-A.
Other names: c.2966del, p.Thr989fs (NM_001256849.1); c.3044del, p.Thr1015fs (NM_001308632.1); short protein forms T1015fs, T989fs.
Identifiers: ClinVar variation 955880 (VCV000955880.9), dbSNP rs2039305842, ClinGen allele CA1139666567.

ClinVar aggregate classification (germline): Uncertain significance (1 of 4 stars; one submission).

Conditions:
POLD1-related polyposis and colorectal cancer syndrome (CRCS10). Also called: Colorectal cancer 10; COLORECTAL CANCER, SUSCEPTIBILITY TO, ON CHROMOSOME 19q; Colorectal cancer, susceptibility to, 10. Identifiers: Orphanet 220460, MedGen C2675481, MONDO:0012953, OMIM 612591.

Submission:

Labcorp Genetics (formerly Invitae), Labcorp
Classification: Uncertain significance for POLD1-related polyposis and colorectal cancer syndrome. Last evaluated: 2019-10-24. Review status: criteria provided, single submitter. Criteria: Invitae Variant Classification Sherloc (09022015). Collection method: clinical testing. Allele origin: germline.
Comment: The frequency data for this variant in the population databases is considered unreliable, as metrics indicate insufficient coverage at this position in the ExAC database. This variant has not been reported in the literature in individuals with POLD1-related conditions. Missense variants that disrupt the 3'-5' exonuclease (proof-reading) activity of the POLD1 protein, while not abolishing its polymerase enzyme activity, are associated with an increased risk for colonic adenomatous polyps and colon cancer (PMID: 23263490, 23447401). Loss-of-function variants, which result in an absent or severely disrupted POLD1 protein, are therefore unlikely to be associated with disease. Without further clinical and genetic evidence, however, this variant has been classified as a Variant of Uncertain Significance. This sequence change creates a premature translational stop signal (p.Thr989Serfs*56) in the POLD1 gene. It is expected to result in an absent or disrupted protein product.

Literature cited by the submitters: PubMed 23263490; PubMed 23447401.